The following is an entry in ClinVar:

ClinVar aggregate classification (germline): Benign. Review status: criteria provided, multiple submitters, no conflicts (2 of 4 stars). 2 submissions from 2 submitters: Benign (2). Last evaluated 2018-01-13.

Conditions:
Brain small vessel disease 2A, autosomal dominant. Also called: Porencephaly 2. Identifiers: Orphanet 2940, Orphanet 99810, MedGen C3280970, MONDO:0013773, OMIM 614483.

Allele frequency attached by ClinVar (database versions not stated): 1000 Genomes Project 0.37500; 1000 Genomes Project 30x 0.38039; gnomAD 0.43723 and 0.44193; TOPMed 0.43971.

Submissions (2):

Illumina Laboratory Services, Illumina
Classification: Benign for Brain small vessel disease 2A, autosomal dominant. Last evaluated: 2018-01-13. Review status: criteria provided, single submitter. Criteria: ICSL Variant Classification Criteria 13 December 2019. Collection method: clinical testing. Allele origin: germline.
Comment: This variant was observed in the ICSL laboratory as part of a predisposition screen in an ostensibly healthy population. It had not been previously curated by ICSL or reported in the Human Gene Mutation Database (HGMD: prior to June 1st, 2018), and was therefore a candidate for classification through an automated scoring system. Utilizing variant allele frequency, disease prevalence and penetrance estimates, and inheritance mode, an automated score was calculated to assess if this variant is too frequent to cause the disease. Based on the score and internal cut-off values, a variant classified as benign is not then subjected to further curation. The score for this variant resulted in a classification of benign for this disease.

Breakthrough Genomics
Classification: Benign. Review status: criteria provided, single submitter. Criteria: ACMG Guidelines, 2015. Collection method: not provided. Allele origin: germline. Inheritance: Autosomal dominant inheritance. Affected: yes.

NM_001846.4(COL4A2):c.*663T>C

Gene: COL4A2 (collagen type IV alpha 2 chain; plus strand). Cytogenetic location: 13q34.
Variant type: single nucleotide variant.
Coding change: c.*663T>C on transcript NM_001846.4 (MANE Select); 663 bases downstream of the stop codon, T replaced by C.
Molecular consequence: 3 prime UTR variant.
Genome position (GRCh38, 1-based): chr13:110,512,854, T>C. VCF-style: chr13-110512854-T-C. GRCh37 (hg19) VCF-style: chr13-111165201-T-C.
Identifiers: ClinVar variation 311212 (VCV000311212.6), dbSNP rs7711, ClinGen allele CA10642892.
Genomic context (GRCh38, chr13:110,512,854, plus strand): 5'-CCCTATAGACCACTGGGTTTGGCAAAACTCAGGCAGAAGTGGAGACCTTTCTAGACATCA[T>C]TGTCAGCCTTGCTACTTGAAGGTACACCCCATAGGGTCGGAGGTGCTGTCCCCACTGCCC-3'